The following is an entry in ClinVar:

NM_000059.4(BRCA2):c.476-8A>C

Gene: BRCA2 (BRCA2 DNA repair associated; plus strand). Cytogenetic location: 13q13.1.
Variant type: single nucleotide variant.
Coding change: c.476-8A>C on transcript NM_000059.4 (MANE Select); 8 bases into the intron before coding-DNA position 476, A replaced by C.
Molecular consequence: intron variant.
Genome position (GRCh38, 1-based): chr13:32,326,234, A>C. VCF-style: chr13-32326234-A-C. GRCh37 (hg19) VCF-style: chr13-32900371-A-C.
Other names: c.476-8A>C (NM_000059.3).
Identifiers: ClinVar variation 1109680 (VCV001109680.10), dbSNP rs1311844326, ClinGen allele CA609453804.

ClinVar aggregate classification (germline): Conflicting classifications of pathogenicity. Review status: criteria provided, conflicting classifications (1 of 4 stars). 3 submissions from 3 submitters: Uncertain significance (1); Likely benign (2). Last evaluated 2025-09-16.

Conditions:
Hereditary breast ovarian cancer syndrome. Also called: Breast and ovarian cancer; BRCA1- and BRCA2-Associated Hereditary Breast and Ovarian Cancer; Hereditary breast and/or ovarian cancer syndrome; Hereditary breast and ovarian cancer syndrome; Hereditary breast and ovarian cancer syndrome (HBOC); Hereditary breast and ovarian cancer. Identifiers: Orphanet 145, MedGen C0677776, MeSH D061325, MONDO:0003582. Disease mechanism: loss of function.
Hereditary cancer-predisposing syndrome. Also called: Tumor predisposition; Hereditary Cancer Syndrome; Neoplastic Syndromes, Hereditary; Hereditary neoplastic syndrome. Identifiers: Orphanet 140162, MedGen C0027672, MeSH D009386, MONDO:0015356.

Submissions (3):

Color Diagnostics, LLC DBA Color Health
Classification: Uncertain significance for Hereditary cancer-predisposing syndrome. Last evaluated: 2025-09-16. Review status: criteria provided, single submitter. Criteria: ACMG Guidelines, 2015. Collection method: clinical testing. Allele origin: germline.
Comment: This variant causes an A to C nucleotide substitution at the -8 position of intron 5 of the BRCA2 gene. To our knowledge, functional studies have not been reported for this variant. A multifactorial analysis has reached a combined likelihood ratio (LR) of 0.479 based on reported LR for co-occurrence with a pathogenic variant and/or segregation and family history for 1 carrier (PMID: 31131967). This variant has not been identified in the general population by the Genome Aggregation Database (gnomAD). The available evidence is insufficient to determine the role of this variant in disease conclusively. Therefore, this variant is classified as a Variant of Uncertain Significance.

Ambry Genetics
Classification: Likely benign for Hereditary cancer-predisposing syndrome. Last evaluated: 2024-09-04. Review status: criteria provided, single submitter. Criteria: Ambry Variant Classification Scheme 2023. Collection method: clinical testing. Allele origin: germline.

Labcorp Genetics (formerly Invitae), Labcorp
Classification: Likely benign for Hereditary breast ovarian cancer syndrome. Last evaluated: 2019-10-07. Review status: criteria provided, single submitter. Criteria: Invitae Variant Classification Sherloc (09022015). Collection method: clinical testing. Allele origin: germline.

Literature cited by the submitters: PubMed 31131967 (cited by Color Diagnostics, LLC DBA Color Health).